The following is an entry in ClinVar:

ClinVar aggregate classification (germline): Uncertain significance. Review status: criteria provided, multiple submitters, no conflicts (2 of 4 stars). 2 submissions from 2 submitters: Uncertain significance (2). Last evaluated 2025-05-03.

Allele frequency attached by ClinVar (database versions not stated): gnomAD 0.00002; TOPMed 0.00004; ESP Exome Variant Server 0.00008; 1000 Genomes Project 30x 0.00016; 1000 Genomes Project 0.00020.
gnomAD v4.1: 16 of 1,614,056 alleles (0.00099%); highest among the groups gnomAD compares: African/African-American, 0.0053%; no homozygotes.

Submissions (2):

Ambry Genetics
Classification: Uncertain significance. Last evaluated: 2025-05-03. Review status: criteria provided, single submitter. Criteria: Ambry Variant Classification Scheme 2023. Collection method: clinical testing. Allele origin: germline.

Labcorp Genetics (formerly Invitae), Labcorp
Classification: Uncertain significance. Last evaluated: 2022-06-14. Review status: criteria provided, single submitter. Criteria: Invitae Variant Classification Sherloc (09022015). Collection method: clinical testing. Allele origin: germline.
Comment: This sequence change replaces valine, which is neutral and non-polar, with methionine, which is neutral and non-polar, at codon 1191 of the IARS protein (p.Val1191Met). In summary, the available evidence is currently insufficient to determine the role of this variant in disease. Therefore, it has been classified as a Variant of Uncertain Significance. Algorithms developed to predict the effect of missense changes on protein structure and function (SIFT, PolyPhen-2, Align-GVGD) all suggest that this variant is likely to be tolerated. This variant has not been reported in the literature in individuals affected with IARS-related conditions. This variant is present in population databases (rs202153931, gnomAD 0.02%).

NM_002161.6(IARS1):c.3571G>A (p.Val1191Met)

Gene: IARS1 (isoleucyl-tRNA synthetase 1; minus strand). Cytogenetic location: 9q22.31.
Variant type: single nucleotide variant.
Coding change: c.3571G>A on transcript NM_002161.6 (MANE Select); coding-DNA position 3571, G replaced by A.
Protein change: p.Val1191Met; replaces valine 1191 with methionine.
Molecular consequence: missense variant. On other transcripts: non-coding transcript variant (1), intron variant (1).
Genome position (GRCh38, 1-based): chr9:92,222,655, C>T on the plus strand (G>A on the coding strand, the complement: IARS1 is on the minus strand). VCF-style: chr9-92222655-C-T. GRCh37 (hg19) VCF-style: chr9-94984937-C-T.
Other names: c.3496G>A, p.Val1166Met (NM_001374299.1, NM_001374300.1); c.3487G>A, p.Val1163Met (NM_001374301.1); c.3634G>A, p.Val1212Met (NM_001378569.1); c.3592G>A, p.Val1198Met (NM_001378571.1, NM_001378572.1); c.3571G>A, p.Val1191Met (NM_001378573.1, NM_001378574.1, NM_001378575.1 and 2 more transcripts); c.3571G>A (NM_013417.2); c.3529G>A, p.Val1177Met (NM_001378577.1); c.3511G>A, p.Val1171Met (NM_001378578.1, NM_001378579.1, NM_001378580.1); and 5 more; short protein forms V1159M, V1163M, V1166M, V1171M, V1143M, V1146M, V1177M, V1198M.
Identifiers: ClinVar variation 1928205 (VCV001928205.6), dbSNP rs202153931, ClinGen allele CA5121811.